The following is an entry in ClinVar:

NM_015021.3(ZNF292):c.4218C>T (p.Ala1406=)

Gene: ZNF292 (zinc finger protein 292; plus strand). Cytogenetic location: 6q14.3.
Variant type: single nucleotide variant.
Coding change: c.4218C>T on transcript NM_015021.3 (MANE Select); coding-DNA position 4218, C replaced by T.
Protein change: p.Ala1406=; no amino-acid change (alanine 1406 retained).
Molecular consequence: synonymous variant.
Genome position (GRCh38, 1-based): chr6:87,257,847, C>T. VCF-style: chr6-87257847-C-T. GRCh37 (hg19) VCF-style: chr6-87967565-C-T.
Other names: c.3798C>T, p.Ala1266= (NM_001351444.2).
Identifiers: ClinVar variation 4084474 (VCV004084474.8).

ClinVar aggregate classification (germline): Likely benign (1 of 4 stars; one submission).

gnomAD v4.1: 102 of 1,613,700 alleles (0.0063%); highest among the groups gnomAD compares: Non-Finnish European, 0.0081%; no homozygotes.

Submission:

CeGaT Center for Human Genetics Tuebingen
Classification: Likely benign. Last evaluated: 2025-07-01. Review status: criteria provided, single submitter. Criteria: CeGaT Center For Human Genetics Tuebingen Variant Classification Criteria Version 2. Collection method: clinical testing. Allele origin: germline. Affected: yes. Observed: 1 variant allele.
Comment: ZNF292: BP4, BP7